The following is an entry in ClinVar:

NM_003036.4(SKI):c.267C>T (p.Pro89=)

Gene: SKI (SKI proto-oncogene; plus strand). Cytogenetic location: 1p36.33.
Variant type: single nucleotide variant.
Coding change: c.267C>T on transcript NM_003036.4 (MANE Select); coding-DNA position 267, C replaced by T.
Protein change: p.Pro89=; no amino-acid change (proline 89 retained).
Molecular consequence: synonymous variant.
Genome position (GRCh38, 1-based): chr1:2,229,033, C>T. VCF-style: chr1-2229033-C-T. GRCh37 (hg19) VCF-style: chr1-2160472-C-T.
Identifiers: ClinVar variation 1794662 (VCV001794662.26), dbSNP rs528051602, ClinGen allele CA536361.

ClinVar aggregate classification (germline): Likely benign. Review status: criteria provided, multiple submitters, no conflicts (2 of 4 stars). 3 submissions from 3 submitters: Likely benign (3). Last evaluated 2025-09-01.

Conditions:
Shprintzen-Goldberg syndrome (SGS). Also called: Marfanoid disorder with craniosynostosis type 1; Marfanoid craniosynostosis syndrome; Shprintzen-Goldberg marfanoid syndrome; SHPRINTZEN-GOLDBERG CRANIOSYNOSTOSIS SYNDROME; CRANIOSYNOSTOSIS WITH ARACHNODACTYLY AND ABDOMINAL HERNIAS. Identifiers: Orphanet 2462, MedGen C1321551, MONDO:0008426, OMIM 182212.
Familial thoracic aortic aneurysm and aortic dissection (TAAD). Also called: Thoracic aortic aneurysms and dissections. Identifiers: Orphanet 91387, MedGen C4707243, MONDO:0019625.

Allele frequency attached by ClinVar (database versions not stated): TOPMed below 0.00001; gnomAD 0.00001; 1000 Genomes Project 30x 0.00016; 1000 Genomes Project 0.00020.
gnomAD v4.1: 18 of 1,600,946 alleles (0.0011%); highest among the groups gnomAD compares: South Asian, 0.012%; no homozygotes.

Submissions (3):

CeGaT Center for Human Genetics Tuebingen
Classification: Likely benign. Last evaluated: 2025-09-01. Review status: criteria provided, single submitter. Criteria: CeGaT Center For Human Genetics Tuebingen Variant Classification Criteria Version 2. Collection method: clinical testing. Allele origin: germline. Affected: yes. Observed: 2 variant alleles.
Comment: SKI: BP4, BP7

Labcorp Genetics (formerly Invitae), Labcorp
Classification: Likely benign for Shprintzen-Goldberg syndrome. Last evaluated: 2023-06-21. Review status: criteria provided, single submitter. Criteria: Invitae Variant Classification Sherloc (09022015). Collection method: clinical testing. Allele origin: germline.

Ambry Genetics
Classification: Likely benign for Familial thoracic aortic aneurysm and aortic dissection. Last evaluated: 2020-09-28. Review status: criteria provided, single submitter. Criteria: Ambry Variant Classification Scheme 2023. Collection method: clinical testing. Allele origin: germline.